The following is an entry in ClinVar:

NM_000260.4(MYO7A):c.1006_1007insA (p.Arg336fs)

Gene: MYO7A (myosin VIIA; plus strand). Cytogenetic location: 11q13.5.
Variant type: Insertion.
Coding change: c.1006_1007insA on transcript NM_000260.4 (MANE Select); coding-DNA positions 1006 to 1007, A inserted.
Protein change: p.Arg336fs; shifts the reading frame from arginine 336.
Molecular consequence: frameshift variant.
Genome position: GRCh38 VCF-style: chr11-77159449-C-CA. GRCh37 (hg19) VCF-style: chr11-76870495-C-CA.
Other names: c.1006_1007insA, p.Arg336fs (NM_001127180.2); c.973_974insA, p.Arg325fs (NM_001369365.1); short protein forms R325fs, R336fs.
Identifiers: ClinVar variation 4818010 (VCV004818010.1).

ClinVar aggregate classification (germline): Likely pathogenic (1 of 4 stars; one submission).

Conditions:
Usher syndrome type 1B (USH1B). Also called: Usher syndrome type IB. Identifiers: MedGen C1848638, MONDO:0700087.

Submission:

Natera, Inc.
Classification: Likely pathogenic for Usher syndrome type 1B. Last evaluated: 2024-08-19. Review status: criteria provided, single submitter. Criteria: Natera Variant Classification Schema (03/2026). Collection method: clinical testing. Allele origin: germline.
Comment: The c.1006_1007insA variant in MYO7A is a frameshift variant predicted to shift the reading frame beginning at codon 336 and leads to a stop codon 4 codons downstream. This variant is expected to result in nonsense mediated decay, truncation, or a dysfunctional protein product. This variant is rare in the general population with a frequency below the threshold expected for the associated phenotype(s). Given the available evidence, this variant is classified as Likely Pathogenic.